The following is an entry in ClinVar:

ClinVar aggregate classification (germline): Likely benign (1 of 4 stars; one submission).

Submission:

CeGaT Center for Human Genetics Tuebingen
Classification: Likely benign. Last evaluated: 2025-07-01. Review status: criteria provided, single submitter. Criteria: CeGaT Center For Human Genetics Tuebingen Variant Classification Criteria Version 2. Collection method: clinical testing. Allele origin: germline. Affected: yes. Observed: 1 variant allele.
Comment: FPGS: BP4, BP7

NM_004957.6(FPGS):c.1509G>A (p.Ala503=)

Gene: FPGS (folylpolyglutamate synthase; plus strand). Cytogenetic location: 9q34.11.
Variant type: single nucleotide variant.
Coding change: c.1509G>A on transcript NM_004957.6 (MANE Select); coding-DNA position 1509, G replaced by A.
Protein change: p.Ala503=; no amino-acid change (alanine 503 retained).
Molecular consequence: synonymous variant. On other transcripts: non-coding transcript variant (1).
Genome position (GRCh38, 1-based): chr9:127,813,349, G>A. VCF-style: chr9-127813349-G-A. GRCh37 (hg19) VCF-style: chr9-130575628-G-A.
Other names: c.1359G>A, p.Ala453= (NM_001018078.2); c.1431G>A, p.Ala477= (NM_001288803.1).
Identifiers: ClinVar variation 4084639 (VCV004084639.8).